The following is an entry in ClinVar:

NM_018010.4(IFT57):c.748C>A (p.Leu250Met)

Gene: IFT57 (intraflagellar transport 57; minus strand). Cytogenetic location: 3q13.12.
Variant type: single nucleotide variant.
Coding change: c.748C>A on transcript NM_018010.4 (MANE Select); coding-DNA position 748, C replaced by A.
Protein change: p.Leu250Met; replaces leucine 250 with methionine.
Molecular consequence: missense variant.
Genome position (GRCh38, 1-based): chr3:108,191,550, G>T on the plus strand (C>A on the coding strand, the complement: IFT57 is on the minus strand). VCF-style: chr3-108191550-G-T. GRCh37 (hg19) VCF-style: chr3-107910397-G-T.
Other names: short protein forms L250M.
Identifiers: ClinVar variation 1447250 (VCV001447250.8), dbSNP rs370528818, ClinGen allele CA2526603.

ClinVar aggregate classification (germline): Uncertain significance (1 of 4 stars; one submission).

Allele frequency attached by ClinVar (database versions not stated): gnomAD 0.00006; ESP Exome Variant Server 0.00008.
gnomAD v4.1: 15 of 1,604,304 alleles (0.00093%); highest among the groups gnomAD compares: African/African-American, 0.013%; no homozygotes.

Submission:

Labcorp Genetics (formerly Invitae), Labcorp
Classification: Uncertain significance. Last evaluated: 2024-11-18. Review status: criteria provided, single submitter. Criteria: Invitae Variant Classification Sherloc (09022015). Collection method: clinical testing. Allele origin: germline.
Comment: This sequence change replaces leucine, which is neutral and non-polar, with methionine, which is neutral and non-polar, at codon 250 of the IFT57 protein (p.Leu250Met). This variant is present in population databases (rs370528818, gnomAD 0.01%). This variant has not been reported in the literature in individuals affected with IFT57-related conditions. ClinVar contains an entry for this variant (Variation ID: 1447250). An algorithm developed to predict the effect of missense changes on protein structure and function (PolyPhen-2) suggests that this variant is likely to be disruptive. In summary, the available evidence is currently insufficient to determine the role of this variant in disease. Therefore, it has been classified as a Variant of Uncertain Significance.